The following is an entry in ClinVar:

ClinVar aggregate classification (germline): Pathogenic (1 of 4 stars; one submission).

Conditions:
Metachromatic leukodystrophy (MLD). Also called: ARSA DEFICIENCY; CEREBROSIDE SULFATASE DEFICIENCY; METACHROMATIC LEUKOENCEPHALOPATHY; SULFATIDE LIPIDOSIS; Cerebral sclerosis diffuse metachromatic form; Arylsulfatase A Deficiency. Identifiers: Orphanet 512, MedGen C0023522, MONDO:0018868, OMIM 250100.

Submission:

Myriad Genetics, Inc.
Classification: Pathogenic for Metachromatic leukodystrophy. Last evaluated: 2023-09-22. Review status: criteria provided, single submitter. Criteria: Myriad Autosomal Dominant, Autosomal Recessive and X-Linked Classification Criteria (2023). Collection method: clinical testing. Allele origin: unknown.
Comment: NM_000487.5(ARSA):c.478_482del5ins3(N160Qfs*15) is expected to be pathogenic in the context of metachromatic leukodystrophy. This variant is predicted to lead to an abnormal or absent protein product due to the creation of a premature termination codon in ARSA, a gene where loss-of-function variants are known to be pathogenic. Please note: this variant was assessed in the context of healthy population screening.

NM_000487.6(ARSA):c.478_482delinsCAG (p.Asn160fs)

Gene: ARSA (arylsulfatase A; minus strand). Cytogenetic location: 22q13.33.
Variant type: Indel.
Coding change: c.478_482delinsCAG on transcript NM_000487.6 (MANE Select); coding-DNA positions 478 to 482, AACCT replaced by CAG.
Protein change: p.Asn160fs; shifts the reading frame from asparagine 160.
Molecular consequence: frameshift variant.
Genome position (GRCh38, 1-based): chr22:50,627,036-50,627,040, AGGTT replaced by CTG on the plus strand (AACCT replaced by CAG on the coding strand, the reverse complement: ARSA is on the minus strand). VCF-style: chr22-50627036-AGGTT-CTG. GRCh37 (hg19) VCF-style: chr22-51065464-AGGTT-CTG.
Other names: c.478_482delinsCAG, p.Asn160fs (NM_001085425.3, NM_001085426.3, NM_001085427.3); c.220_224delinsCAG, p.Asn74fs (NM_001085428.3, NM_001362782.2); short protein forms N160fs, N74fs.
Identifiers: ClinVar variation 5011722 (VCV005011722.1).